The following is an entry in ClinVar:

ClinVar aggregate classification (germline): Uncertain significance (1 of 4 stars; one submission).

Conditions:
Ehlers-Danlos syndrome, classic type, 1 (EDSCL1). Also called: EHLERS-DANLOS SYNDROME, GRAVIS TYPE; EHLERS-DANLOS SYNDROME, SEVERE CLASSIC TYPE; Ehlers-Danlos syndrome, type 1; Ehlers-Danlos Syndrome, Classic Type, COL5A1-Related; EDS I. Identifiers: MedGen C0268335, MONDO:0019567, OMIM 130000.

gnomAD v4.1: 1 of 1,614,168 alleles (0.000062%); highest among the groups gnomAD compares: East Asian, 0.0022%; no homozygotes.

Submission:

Labcorp Genetics (formerly Invitae), Labcorp
Classification: Uncertain significance for Ehlers-Danlos syndrome, classic type, 1. Last evaluated: 2024-10-17. Review status: criteria provided, single submitter. Criteria: Invitae Variant Classification Sherloc (09022015). Collection method: clinical testing. Allele origin: germline.
Comment: This sequence change replaces isoleucine, which is neutral and non-polar, with valine, which is neutral and non-polar, at codon 74 of the COL5A2 protein (p.Ile74Val). This variant is not present in population databases (gnomAD no frequency). This variant has not been reported in the literature in individuals affected with COL5A2-related conditions. Invitae Evidence Modeling of protein sequence and biophysical properties (such as structural, functional, and spatial information, amino acid conservation, physicochemical variation, residue mobility, and thermodynamic stability) indicates that this missense variant is not expected to disrupt COL5A2 protein function with a negative predictive value of 95%. In summary, the available evidence is currently insufficient to determine the role of this variant in disease. Therefore, it has been classified as a Variant of Uncertain Significance.

NM_000393.5(COL5A2):c.220A>G (p.Ile74Val)

Gene: COL5A2 (collagen type V alpha 2 chain; minus strand). Cytogenetic location: 2q32.2.
Variant type: single nucleotide variant.
Coding change: c.220A>G on transcript NM_000393.5 (MANE Select); coding-DNA position 220, A replaced by G.
Protein change: p.Ile74Val; replaces isoleucine 74 with valine.
Molecular consequence: missense variant.
Genome position (GRCh38, 1-based): chr2:189,110,327, T>C on the plus strand (A>G on the coding strand, the complement: COL5A2 is on the minus strand). VCF-style: chr2-189110327-T-C. GRCh37 (hg19) VCF-style: chr2-189975053-T-C.
Other names: short protein forms I74V.
Identifiers: ClinVar variation 3664688 (VCV003664688.2).
Genomic context (GRCh38, chr2:189,110,327, plus strand): 5'-GACAGCATTCCCCAGGGGGCGTTACAGGGTCGGCACAGTCCAGCACATCCTGGCATTCTA[T>C]CTTGTCACAGAGAATGGCTCCATTGTCACAGACACAGATCTGACAAGGGGCAGGTTTCCA-3'
Protein context (NP_000384.2, residues 64-84): CDNGAILCDK[Ile74Val]ECQDVLDCAD